The following is an entry in ClinVar:

ClinVar aggregate classification (germline): Uncertain significance (1 of 4 stars; one submission).

Conditions:
Hereditary pheochromocytoma and paraganglioma. Also called: Hereditary paragangliomas and pheochromocytomas; Hereditary Paraganglioma-Pheochromocytoma Syndromes; Hereditary pheochromocytoma-paraganglioma. Identifiers: Orphanet 29072, MedGen C4274332, MONDO:0017366.

Submission:

Labcorp Genetics (formerly Invitae), Labcorp
Classification: Uncertain significance for Hereditary pheochromocytoma and paraganglioma. Last evaluated: 2024-02-02. Review status: criteria provided, single submitter. Criteria: Invitae Variant Classification Sherloc (09022015). Collection method: clinical testing. Allele origin: germline.
Comment: This sequence change replaces alanine, which is neutral and non-polar, with valine, which is neutral and non-polar, at codon 67 of the MAX protein (p.Ala67Val). This variant is not present in population databases (gnomAD no frequency). This variant has not been reported in the literature in individuals affected with MAX-related conditions. An algorithm developed to predict the effect of missense changes on protein structure and function (PolyPhen-2) suggests that this variant is likely to be disruptive. This variant disrupts the p.Ala67 amino acid residue in MAX. Other variant(s) that disrupt this residue have been determined to be pathogenic (PMID: 33367756). This suggests that this residue is clinically significant, and that variants that disrupt this residue are likely to be disease-causing. In summary, the available evidence is currently insufficient to determine the role of this variant in disease. Therefore, it has been classified as a Variant of Uncertain Significance.

Literature cited by the submitters: PubMed 33367756.

NM_002382.5(MAX):c.200C>T (p.Ala67Val)

Gene: MAX (MYC associated transcriptional regulator X; minus strand). Cytogenetic location: 14q23.3.
Variant type: single nucleotide variant.
Coding change: c.200C>T on transcript NM_002382.5 (MANE Select); coding-DNA position 200, C replaced by T.
Protein change: p.Ala67Val; replaces alanine 67 with valine.
Molecular consequence: missense variant. On other transcripts: 5 prime UTR variant (6), non-coding transcript variant (7), intron variant (2).
Genome position (GRCh38, 1-based): chr14:65,078,008, G>A on the plus strand (C>T on the coding strand, the complement: MAX is on the minus strand). VCF-style: chr14-65078008-G-A. GRCh37 (hg19) VCF-style: chr14-65544726-G-A.
Other names: c.-75C>T (NM_001320415.2, NM_001407105.1, NM_001407106.1 and 1 more transcripts); c.200C>T, p.Ala67Val (NM_001407094.1, NM_001407096.1, NM_001407097.1 and 3 more transcripts); c.173C>T, p.Ala58Val (NM_001407095.1, NM_001407099.1, NM_001407100.1 and 6 more transcripts); c.92C>T, p.Ala31Val (NM_001407098.1); c.-168C>T (NM_001407111.1, NM_001407112.1); c.144+15700C>T (NM_001271069.2); c.171+15700C>T (NM_197957.4); short protein forms A31V, A58V, A67V.
Identifiers: ClinVar variation 3638273 (VCV003638273.2).